The following is an entry in ClinVar:

ClinVar aggregate classification (germline): Uncertain significance. Review status: criteria provided, multiple submitters, no conflicts (2 of 4 stars). 2 submissions from 2 submitters: Uncertain significance (2). Last evaluated 2026-02-04.

Conditions:
Macrothrombocytopenia, isolated, 1, autosomal dominant (MACTHC1). Also called: Autosomal dominant macrothrombocytopenia TUBB1-related. Identifiers: Orphanet 140957, MedGen C5676892, MONDO:0800047, OMIM 613112.

Allele frequency attached by ClinVar (database versions not stated): gnomAD 0.00001; TOPMed 0.00004.

Submissions (2):

Labcorp Genetics (formerly Invitae), Labcorp
Classification: Uncertain significance. Last evaluated: 2026-02-04. Review status: criteria provided, single submitter. Criteria: Invitae Variant Classification Sherloc (09022015). Collection method: clinical testing. Allele origin: germline.
Comment: This sequence change replaces arginine, which is basic and polar, with lysine, which is basic and polar, at codon 57 of the TUBB1 protein (p.Arg57Lys). This variant is present in population databases (no rsID available, gnomAD 0.002%). This variant has not been reported in the literature in individuals affected with TUBB1-related conditions. ClinVar contains an entry for this variant (Variation ID: 1703806). Invitae Evidence Modeling of protein sequence and biophysical properties (such as structural, functional, and spatial information, amino acid conservation, physicochemical variation, residue mobility, and thermodynamic stability) indicates that this missense variant is not expected to disrupt TUBB1 protein function with a negative predictive value of 80%. In summary, the available evidence is currently insufficient to determine the role of this variant in disease. Therefore, it has been classified as a Variant of Uncertain Significance.

ISTH-SSC Genomics in Thrombosis and Hemostasis, KU Leuven, Center for Molecular and Vascular Biology
Classification: Uncertain significance for Macrothrombocytopenia, isolated, 1, autosomal dominant. Review status: criteria provided, single submitter. Criteria: ACMG Guidelines, 2015. Collection method: clinical testing. Allele origin: germline. Affected: yes. Observed: 1 heterozygote.
Comment: Submitted to GoldVariant by Jose María Bastida and José Rivera; Grupo Español de Alteraciones Plaquetarias Congénitas (GEAPC)

NM_030773.4(TUBB1):c.170G>A (p.Arg57Lys)

Gene: TUBB1 (tubulin beta 1 class VI; plus strand). Cytogenetic location: 20q13.32.
Variant type: single nucleotide variant.
Coding change: c.170G>A on transcript NM_030773.4 (MANE Select); coding-DNA position 170, G replaced by A.
Protein change: p.Arg57Lys; replaces arginine 57 with lysine.
Molecular consequence: missense variant.
Genome position (GRCh38, 1-based): chr20:59,023,493, G>A. VCF-style: chr20-59023493-G-A. GRCh37 (hg19) VCF-style: chr20-57598548-G-A.
Other names: short protein forms R57K.
Identifiers: ClinVar variation 1703806 (VCV001703806.3), dbSNP rs1386344364, ClinGen allele CA409466344.
Genomic context (GRCh38, chr20:59,023,493, plus strand): 5'-AAAACATTAACTTTTAGAAAAACAAGTAGGCTGACTTTTTCCTATTTTTCTACACAGGTA[G>A]GAAATATGTGCCCCGAGCAGTCTTGGTGGACCTAGAACCTGGGACGATGGACAGCATTCG-3'
Protein context (NP_110400.1, residues 47-67): ISVYYNEAYG[Arg57Lys]KYVPRAVLVD